The following is an entry in ClinVar:

ClinVar aggregate classification (germline): Likely pathogenic (1 of 4 stars; one submission).

Submission:

GeneDx
Classification: Likely pathogenic. Last evaluated: 2016-04-25. Review status: criteria provided, single submitter. Criteria: GeneDx Variant Classification (06012015). Collection method: clinical testing. Allele origin: germline. Affected: yes.
Comment: A novel c.2676-1_2683delGCAGCTCCA variant that is likely pathogenic has been identified in the PCDH19 gene. The c.2676-1_2683delGCAGCTCCA variant has not been published as a pathogenic variant, nor has it been reported as a benign variant to our knowledge. It was not observed in approximately 6,200 individuals of European and African American ancestry in the NHLBI Exome Sequencing Project, indicating it is not a common benign variant in these populations. The c.2676-1_2683delGCAGCTCCA variant results in the deletion of 9 nucleotides at the intron 4/exon 5 boundary including the splice acceptor site. This variant destroys the canonical splice acceptor site in intron 4. It is predicted to cause abnormal gene splicing, either leading to an abnormal message that is subject to nonsense-mediated mRNA decay, or to an abnormal protein product if the message is used for protein translation. Therefore, this variant is likely pathogenic; however, the possibility that it is benign cannot be excluded.

NM_001184880.2(PCDH19):c.2676-1_2683del

Gene: PCDH19 (protocadherin 19; minus strand). Cytogenetic location: Xq22.1.
Variant type: Deletion.
Coding change: c.2676-1_2683del on transcript NM_001184880.2 (MANE Select); the canonical splice acceptor site of the intron before coding-DNA position 2676 through coding-DNA position 2683, 9 bases deleted (GCAGCTCCA; older notation c.2676-1_2683delGCAGCTCCA).
Molecular consequence: splice acceptor variant.
Genome position (GRCh38, 1-based): chrX:100,342,068-100,342,076, TGGAGCTGC deleted on the plus strand (GCAGCTCCA on the coding strand, the reverse complement: PCDH19 is on the minus strand); deleting any 9 consecutive bases within chrX:100,342,068-100,342,079 gives the same sequence; the c. name uses the placement nearest the transcript's 3' end. VCF-style (leftmost placement, unchanged base first): chrX-100342067-GTGGAGCTGC-G. GRCh37 (hg19) VCF-style: chrX-99597065-GTGGAGCTGC-G.
Other names: c.2676-1_2683delGCAGCTCCA (NM_001184880.1); c.2535-4_2539del (NM_020766.3); c.2535-1_2542del (NM_001105243.2).
Identifiers: ClinVar variation 420905 (VCV000420905.2), dbSNP rs1064794781, ClinGen allele CA16621145.